The following is an entry in ClinVar:

NM_024408.4(NOTCH2):c.5031G>T (p.Gln1677His)

Gene: NOTCH2 (notch receptor 2; minus strand). Cytogenetic location: 1p12.
Variant type: single nucleotide variant.
Coding change: c.5031G>T on transcript NM_024408.4 (MANE Select); coding-DNA position 5031, G replaced by T.
Protein change: p.Gln1677His; replaces glutamine 1677 with histidine.
Molecular consequence: missense variant.
Genome position (GRCh38, 1-based): chr1:119,922,418, C>A on the plus strand (G>T on the coding strand, the complement: NOTCH2 is on the minus strand). VCF-style: chr1-119922418-C-A. GRCh37 (hg19) VCF-style: chr1-120465041-C-A.
Other names: short protein forms Q1677H.
Identifiers: ClinVar variation 1028811 (VCV001028811.6), dbSNP rs1345166838, ClinGen allele CA341887185.
Genomic context (GRCh38, chr1:119,922,418, plus strand): 5'-TACCCCCAGCAGAATAATAAACAGAATGATGACAACAGCAACAGCAAGGAGATAGAGGAG[C>A]TGAGTGCGTTCTGGAGTCAGGGATTCACCTGAAAGTCCACAGAGACAGGGAAAGTGCTGA-3'
Protein context (NP_077719.2, residues 1667-1687): VSESLTPERT[Gln1677His]LLYLLAVAVV

ClinVar aggregate classification (germline): Uncertain significance. Review status: criteria provided, multiple submitters, no conflicts (2 of 4 stars). 3 submissions from 3 submitters: Uncertain significance (3). Last evaluated 2026-03-01.

Conditions:
Alagille syndrome due to a NOTCH2 point mutation. Also called: Alagille syndrome 2. Identifiers: Orphanet 261629, Orphanet 52, MedGen C1857761, MONDO:0012439, OMIM 610205.
Hajdu-Cheney syndrome (HJCYS). Also called: SERPENTINE FIBULA-POLYCYSTIC KIDNEY SYNDROME; ACROOSTEOLYSIS WITH OSTEOPOROSIS AND CHANGES IN SKULL AND MANDIBLE; Acroosteolysis dominant type. Identifiers: Orphanet 955, MedGen C0917715, MONDO:0007057, OMIM 102500.

Allele frequency attached by ClinVar (database versions not stated): gnomAD exomes below 0.00001; TOPMed 0.00001.
gnomAD v4.1: 5 of 1,613,472 alleles (0.00031%); highest among the groups gnomAD compares: African/African-American, 0.0013%; no homozygotes.

Submissions (3):

CeGaT Center for Human Genetics Tuebingen
Classification: Uncertain significance. Last evaluated: 2026-03-01. Review status: criteria provided, single submitter. Criteria: CeGaT Center For Human Genetics Tuebingen Variant Classification Criteria Version 2. Collection method: clinical testing. Allele origin: germline. Affected: yes. Observed: 1 variant allele.
Comment: NOTCH2: PM2, BP4

Fulgent Genetics
Classification: Uncertain significance for Hajdu-Cheney syndrome; Alagille syndrome due to a NOTCH2 point mutation. Last evaluated: 2022-02-04. Review status: criteria provided, single submitter. Criteria: ACMG Guidelines, 2015. Collection method: clinical testing. Allele origin: unknown.

Baylor Genetics
Classification: Uncertain significance for Alagille syndrome due to a NOTCH2 point mutation. Last evaluated: 2019-07-17. Review status: criteria provided, single submitter. Criteria: ACMG Guidelines, 2015. Collection method: clinical testing. Allele origin: unknown. Affected: yes.
Comment: This variant was determined to be of uncertain significance according to ACMG Guidelines, 2015 [PMID:25741868].